The following is an entry in ClinVar:

NM_000384.3(APOB):c.904+11C>G

Gene: APOB (apolipoprotein B; minus strand). Cytogenetic location: 2p24.1.
Variant type: single nucleotide variant.
Coding change: c.904+11C>G on transcript NM_000384.3 (MANE Select); 11 bases into the intron after coding-DNA position 904, C replaced by G.
Molecular consequence: intron variant.
Genome position (GRCh38, 1-based): chr2:21,034,805, G>C on the plus strand (C>G on the coding strand, the complement: APOB is on the minus strand). VCF-style: chr2-21034805-G-C. GRCh37 (hg19) VCF-style: chr2-21257677-G-C.
Identifiers: ClinVar variation 334176 (VCV000334176.16), dbSNP rs148944625, ClinGen allele CA066207.
Genomic context (GRCh38, chr2:21,034,805, plus strand): 5'-GCAAGTGGCTAAGCCATGATAGGCACATCTTGAGTAGATTTTCCAGCAACTATGTGGACA[G>C]AAACTCTTACCTTCACCAAAGAAGCGGCTGTTGATCTTTGGTGTGTCTTCAAGTTTCAAA-3'

ClinVar aggregate classification (germline): Conflicting classifications of pathogenicity. Review status: criteria provided, conflicting classifications (1 of 4 stars). 7 submissions from 6 submitters: Uncertain significance (1); Benign (4); Likely benign (2). Last evaluated 2026-01-27.

Conditions:
Familial hypercholesterolemia. Also called: Familial hypercholesterolemias; Familial hypercholesterolaemia. Identifiers: MedGen C0020445, MONDO:0005439.
Hypercholesterolemia, autosomal dominant, type B (FHCL2). Also called: Familial Hypercholesterolemia Type B; APOLIPOPROTEIN B-100, FAMILIAL DEFECTIVE; APOLIPOPROTEIN B-100, FAMILIAL LIGAND-DEFECTIVE; HYPERCHOLESTEROLEMIA, FAMILIAL, DUE TO LIGAND-DEFECTIVE APOLIPOPROTEIN B; APOB-Related Familial Hypercholesterolemia, Autosomal Dominant; Familial hypercholesterolemia 2. Identifiers: MedGen C1704417, MONDO:0007751, OMIM 144010.
Familial hypobetalipoproteinemia 1. Also called: Hypobetalipoproteinemia, normotriglyceridemic; Acanthocytosis with hypobetalipoproteinemia; APOB-Related Familial Hypobetalipoproteinemia. Identifiers: MedGen C4551990, MONDO:0014252, OMIM 615558.

Allele frequency attached by ClinVar (database versions not stated): gnomAD exomes 0.00053 and 0.00139; ExAC 0.00159; gnomAD 0.00522; TOPMed 0.00548; ESP Exome Variant Server 0.00623; 1000 Genomes Project 0.00759; 1000 Genomes Project 30x 0.00796.
gnomAD v4.1: 1,565 of 1,533,522 alleles (0.1%); highest among the groups gnomAD compares: African/African-American, 1.7%; 18 homozygotes.

Submissions (7):

Labcorp Genetics (formerly Invitae), Labcorp
Classification: Benign for Familial hypobetalipoproteinemia 1; Hypercholesterolemia, autosomal dominant, type B. Last evaluated: 2026-01-27. Review status: criteria provided, single submitter. Criteria: Invitae Variant Classification Sherloc (09022015). Collection method: clinical testing. Allele origin: germline.

Blueprint Genetics
Classification: Likely benign. Last evaluated: 2024-10-02. Review status: criteria provided, single submitter. Criteria: ACMG Guidelines, 2015. Collection method: clinical testing. Allele origin: germline.

ARUP Laboratories, Molecular Genetics and Genomics, ARUP Laboratories
Classification: Benign. Last evaluated: 2023-03-30. Review status: criteria provided, single submitter. Criteria: ARUP Molecular Germline Variant Investigation Process 2024. Collection method: clinical testing. Allele origin: germline.

GENinCode PLC
Classification: Benign for Familial hypercholesterolemia. Last evaluated: 2022-06-23. Review status: criteria provided, single submitter. Criteria: ACMG Guidelines, 2015. Collection method: clinical testing. Allele origin: germline.

GeneDx
Classification: Benign. Last evaluated: 2020-10-14. Review status: criteria provided, single submitter. Criteria: GeneDx Variant Classification Process June 2021. Collection method: clinical testing. Allele origin: germline. Affected: yes.

Illumina Laboratory Services, Illumina
Classification: Uncertain significance for Familial hypobetalipoproteinemia 1. Last evaluated: 2018-01-13. Review status: criteria provided, single submitter. Criteria: ICSL Variant Classification Criteria 13 December 2019. Collection method: clinical testing. Allele origin: germline.

Illumina Laboratory Services, Illumina
Classification: Likely benign for Hypercholesterolemia, autosomal dominant, type B. Last evaluated: 2018-01-13. Review status: criteria provided, single submitter. Criteria: ICSL Variant Classification Criteria 13 December 2019. Collection method: clinical testing. Allele origin: germline.
Comment: This variant was observed in the ICSL laboratory as part of a predisposition screen in an ostensibly healthy population. It had not been previously curated by ICSL or reported in the Human Gene Mutation Database (HGMD: prior to June 1st, 2018), and was therefore a candidate for classification through an automated scoring system. Utilizing variant allele frequency, disease prevalence and penetrance estimates, and inheritance mode, an automated score was calculated to assess if this variant is too frequent to cause the disease. Based on the score and internal cut-off values, a variant classified as likely benign is not then subjected to further curation. The score for this variant resulted in a classification of likely benign for this disease.